The following is an entry in ClinVar:

NM_000466.3(PEX1):c.2582del (p.Lys861fs)

Gene: PEX1 (peroxisomal biogenesis factor 1; minus strand). Cytogenetic location: 7q21.2.
Variant type: Deletion.
Coding change: c.2582del on transcript NM_000466.3 (MANE Select); coding-DNA position 2582, one base deleted (A; older notation c.2582delA).
Protein change: p.Lys861fs; shifts the reading frame from lysine 861.
Molecular consequence: frameshift variant.
Genome position (GRCh38, 1-based): chr7:92,501,508, T deleted on the plus strand (A on the coding strand, the reverse complement: PEX1 is on the minus strand); the first of 2 consecutive T bases (chr7:92,501,508-92,501,509); deleting either gives the same sequence. VCF-style (leftmost placement, unchanged base first): chr7-92501507-CT-C. GRCh37 (hg19) VCF-style: chr7-92130821-CT-C.
Other names: c.2411del, p.Lys804fs (NM_001282677.2); c.1958del, p.Lys653fs (NM_001282678.2); short protein forms K804fs, K653fs, K861fs.
Identifiers: ClinVar variation 2813341 (VCV002813341.3), dbSNP rs2484659833, ClinGen allele CA2739265468.
Genomic context (GRCh38, chr7:92,501,507, plus strand): 5'-GCCAATAATACAGTGGTTCTTCTGGGAGTAAGTATTCACTTTTTCTTTTTTTAAACATAC[CT>C]TGGCAGGTAACTGGATAGTATCCATGAGTATCTGCCTAACTTCATGTAACCCACCAATCT-3'

ClinVar aggregate classification (germline): Pathogenic (1 of 4 stars; one submission).

Conditions:
Zellweger spectrum disorders (ZS). Also called: Zellweger Spectrum Disorder; Zellweger Spectrum; Zellweger Spectrum Disorder (ZSD); Zellweger syndrome. Identifiers: Orphanet 912, MedGen C0043459, MONDO:0019609.

Submission:

Labcorp Genetics (formerly Invitae), Labcorp
Classification: Pathogenic for Zellweger spectrum disorders. Last evaluated: 2023-06-20. Review status: criteria provided, single submitter. Criteria: Invitae Variant Classification Sherloc (09022015). Collection method: clinical testing. Allele origin: germline.
Comment: This variant has not been reported in the literature in individuals affected with PEX1-related conditions. For these reasons, this variant has been classified as Pathogenic. This variant is not present in population databases (gnomAD no frequency). This sequence change creates a premature translational stop signal (p.Lys861Serfs*30) in the PEX1 gene. It is expected to result in an absent or disrupted protein product. Loss-of-function variants in PEX1 are known to be pathogenic (PMID: 9398847, 16086329, 16141001, 21031596, 26387595, 31831025).

Literature cited by the submitters: PubMed 9398847; PubMed 16086329; PubMed 16141001; PubMed 21031596; PubMed 26387595; PubMed 31831025.